The following is an entry in ClinVar:

ClinVar aggregate classification (germline): Likely benign. Review status: criteria provided, multiple submitters, no conflicts (2 of 4 stars). 7 submissions from 7 submitters: Likely benign (7). Last evaluated 2026-03-01.

Conditions:
Dyskeratosis congenita, autosomal recessive 6 (DKCB6). Identifiers: MedGen C4225356, MONDO:0014600, OMIM 616353.
Pulmonary fibrosis and/or bone marrow failure, Telomere-related, 4. Also called: PULMONARY FIBROSIS AND/OR BONE MARROW FAILURE SYNDROME, TELOMERE-RELATED, 4. Identifiers: Orphanet 2032, MedGen C4225347, MONDO:0014612, OMIM 616371.

Allele frequency attached by ClinVar (database versions not stated): 1000 Genomes Project 30x 0.00078; 1000 Genomes Project 0.00080; ExAC 0.00085; TOPMed 0.00100; gnomAD 0.00107; ESP Exome Variant Server 0.00117.
gnomAD v4.1: 1,848 of 1,613,514 alleles (0.11%); highest among the groups gnomAD compares: Middle Eastern, 0.15%; 4 homozygotes.

Submissions (7):

CeGaT Center for Human Genetics Tuebingen
Classification: Likely benign. Last evaluated: 2026-03-01. Review status: criteria provided, single submitter. Criteria: CeGaT Center For Human Genetics Tuebingen Variant Classification Criteria Version 2. Collection method: clinical testing. Allele origin: germline. Affected: yes. Observed: 3 variant alleles.
Comment: PARN: BP4, BP7

Labcorp Genetics (formerly Invitae), Labcorp
Classification: Likely benign for Dyskeratosis congenita, autosomal recessive 6; Pulmonary fibrosis and/or bone marrow failure, Telomere-related, 4. Last evaluated: 2026-01-22. Review status: criteria provided, single submitter. Criteria: Invitae Variant Classification Sherloc (09022015). Collection method: clinical testing. Allele origin: germline.

ARUP Laboratories, Molecular Genetics and Genomics, ARUP Laboratories
Classification: Likely benign. Last evaluated: 2025-07-14. Review status: criteria provided, single submitter. Criteria: ARUP Molecular Germline Variant Investigation Process 2024. Collection method: clinical testing. Allele origin: germline.

Mayo Clinic Laboratories, Mayo Clinic
Classification: Likely benign. Last evaluated: 2025-02-19. Review status: criteria provided, single submitter. Criteria: ACMG Guidelines, 2015. Collection method: clinical testing. Allele origin: germline. Observed: 1 variant allele.
Comment: BS1, BP4, BP7

Blueprint Genetics
Classification: Likely benign. Last evaluated: 2024-11-08. Review status: criteria provided, single submitter. Criteria: ACMG Guidelines, 2015. Collection method: clinical testing. Allele origin: germline.

Genetic Services Laboratory, University of Chicago
Classification: Likely benign. Last evaluated: 2021-06-14. Review status: criteria provided, single submitter. Criteria: ACMG Guidelines, 2015. Collection method: clinical testing. Allele origin: germline. Affected: no.

Breakthrough Genomics
Classification: Likely benign. Review status: criteria provided, single submitter. Criteria: ACMG Guidelines, 2015. Collection method: not provided. Allele origin: germline. Inheritance: Autosomal recessive inheritance. Affected: yes.

NM_002582.4(PARN):c.1782C>T (p.Thr594=)

Gene: PARN (poly(A)-specific ribonuclease; minus strand). Cytogenetic location: 16p13.12.
Variant type: single nucleotide variant.
Coding change: c.1782C>T on transcript NM_002582.4 (MANE Select); coding-DNA position 1782, C replaced by T.
Protein change: p.Thr594=; no amino-acid change (threonine 594 retained).
Molecular consequence: synonymous variant.
Genome position (GRCh38, 1-based): chr16:14,446,970, G>A on the plus strand (C>T on the coding strand, the complement: PARN is on the minus strand). VCF-style: chr16-14446970-G-A. GRCh37 (hg19) VCF-style: chr16-14540827-G-A.
Other names: p.Thr594=; c.1599C>T, p.Thr533= (NM_001134477.3); c.1644C>T, p.Thr548= (NM_001242992.2).
Identifiers: ClinVar variation 789537 (VCV000789537.43), dbSNP rs187555579, ClinGen allele CA7911932.